The following is an entry in ClinVar:

ClinVar aggregate classification (germline): Pathogenic (1 of 4 stars; one submission).

Conditions:
Charcot-Marie-Tooth disease axonal type 2T. Identifiers: Orphanet 443950, MedGen C4015635, OMIM 617017, MONDO:0014866.

Submission:

3billion
Classification: Pathogenic for Charcot-Marie-Tooth disease axonal type 2T. Last evaluated: 2025-03-28. Review status: criteria provided, single submitter. Criteria: ACMG Guidelines, 2015. Collection method: clinical testing. Allele origin: germline. Affected: yes.
Comment: The variant is not observed in the gnomAD v4.1.0 dataset. Predicted Consequence/Location: Stop-gained (nonsense): predicted to result in a loss or disruption of normal protein function through nonsense-mediated decay (NMD) or protein truncation. Multiple pathogenic variants are reported downstream of the variant. The variant was homozygous. Therefore, this variant is classified as Pathogenic according to the recommendation of ACMG/AMP guideline.

NM_007289.4(MME):c.400C>T (p.Gln134Ter)

Gene: MME (membrane metalloendopeptidase; plus strand). Cytogenetic location: 3q25.2.
Variant type: single nucleotide variant.
Coding change: c.400C>T on transcript NM_007289.4 (MANE Select); coding-DNA position 400, C replaced by T.
Protein change: p.Gln134Ter; replaces glutamine 134 with a stop codon.
Molecular consequence: nonsense.
Genome position (GRCh38, 1-based): chr3:155,116,520, C>T. VCF-style: chr3-155116520-C-T. GRCh37 (hg19) VCF-style: chr3-154834309-C-T.
Other names: c.400C>T, p.Gln134Ter (NM_000902.5, NM_001354642.2, NM_001354643.1 and 2 more transcripts); short protein forms Q134*.
Identifiers: ClinVar variation 4293211 (VCV004293211.1).